The following is an entry in ClinVar:

ClinVar aggregate classification (germline): Uncertain significance. Review status: criteria provided, single submitter (1 of 4 stars). 2 submissions from 2 submitters: Uncertain significance (1). 1 of the submissions does not count toward it. Last evaluated 2022-09-17.

Conditions:
X-linked distal spinal muscular atrophy type 3. Also called: SPINAL MUSCULAR ATROPHY, DISTAL, X-LINKED RECESSIVE; NEURONOPATHY, DISTAL HEREDITARY MOTOR, X-LINKED; NEUROPATHY, DISTAL HEREDITARY MOTOR, X-LINKED; ATP7A-Related Distal Motor Neuropathy. Identifiers: Orphanet 139557, MedGen C1845359, MONDO:0010338, OMIM 300489.
Menkes kinky-hair syndrome (MNK). Also called: Classic Menkes Disease; Menkes Disease; Copper transport disease. Identifiers: Orphanet 565, MedGen C0022716, MONDO:0010651, OMIM 309400.
Cutis laxa, X-linked (OHS). Also called: EDS IX; Occipital horn syndrome. Identifiers: Orphanet 198, MedGen C0268353, MONDO:0010572, OMIM 304150.

Allele frequency attached by ClinVar (database versions not stated): gnomAD exomes below 0.00001.
gnomAD v4.1: 2 of 1,210,151 alleles (0.00017%); highest among the groups gnomAD compares: Non-Finnish European, 0.00022%; no homozygotes.

Submissions (2):

Labcorp Genetics (formerly Invitae), Labcorp
Classification: Uncertain significance for X-linked distal spinal muscular atrophy type 3; Cutis laxa, X-linked; Menkes kinky-hair syndrome. Last evaluated: 2022-09-17. Review status: criteria provided, single submitter. Criteria: Invitae Variant Classification Sherloc (09022015). Collection method: clinical testing. Allele origin: germline.
Comment: This sequence change replaces histidine, which is basic and polar, with tyrosine, which is neutral and polar, at codon 1131 of the ATP7A protein (p.His1131Tyr). This variant is not present in population databases (gnomAD no frequency). This variant has not been reported in the literature in individuals affected with ATP7A-related conditions. ClinVar contains an entry for this variant (Variation ID: 1014215). Advanced modeling of protein sequence and biophysical properties (such as structural, functional, and spatial information, amino acid conservation, physicochemical variation, residue mobility, and thermodynamic stability) performed at Invitae indicates that this missense variant is not expected to disrupt ATP7A protein function. In summary, the available evidence is currently insufficient to determine the role of this variant in disease. Therefore, it has been classified as a Variant of Uncertain Significance.

Natera, Inc.
Classification: Uncertain significance for Menkes kinky hair syndrome. Last evaluated: 2025-01-23. Review status: no assertion criteria provided. Collection method: clinical testing. Allele origin: germline. Not counted in ClinVar's aggregate classification.

NM_000052.7(ATP7A):c.3391C>T (p.His1131Tyr)

Gene: ATP7A (ATPase copper transporting alpha; plus strand). Cytogenetic location: Xq21.1.
Variant type: single nucleotide variant.
Coding change: c.3391C>T on transcript NM_000052.7 (MANE Select); coding-DNA position 3391, C replaced by T.
Protein change: p.His1131Tyr; replaces histidine 1131 with tyrosine.
Molecular consequence: missense variant. On other transcripts: non-coding transcript variant (1).
Genome position (GRCh38, 1-based): chrX:78,033,701, C>T. VCF-style: chrX-78033701-C-T. GRCh37 (hg19) VCF-style: chrX-77289199-C-T.
Other names: c.3157C>T, p.His1053Tyr (NM_001282224.2); c.3391C>T (NM_000052.6); short protein forms H1053Y, H1131Y.
Identifiers: ClinVar variation 1014215 (VCV001014215.7), dbSNP rs2077996076, ClinGen allele CA413604050.